The following is an entry in ClinVar:

NM_000065.5(C6):c.1747A>G (p.Arg583Gly)

Gene: C6 (complement C6; minus strand). Cytogenetic location: 5p13.1.
Variant type: single nucleotide variant.
Coding change: c.1747A>G on transcript NM_000065.5 (MANE Select); coding-DNA position 1747, A replaced by G.
Protein change: p.Arg583Gly; replaces arginine 583 with glycine.
Molecular consequence: missense variant.
Genome position (GRCh38, 1-based): chr5:41,159,191, T>C on the plus strand (A>G on the coding strand, the complement: C6 is on the minus strand). VCF-style: chr5-41159191-T-C. GRCh37 (hg19) VCF-style: chr5-41159293-T-C.
Other names: c.1747A>G, p.Arg583Gly (NM_001115131.4); c.1747A>G (NM_000065.2); short protein forms R583G.
Identifiers: ClinVar variation 1489187 (VCV001489187.8), dbSNP rs141061499, ClinGen allele CA3252355.

ClinVar aggregate classification (germline): Uncertain significance. Review status: criteria provided, multiple submitters, no conflicts (2 of 4 stars). 3 submissions from 3 submitters: Uncertain significance (3). Last evaluated 2024-09-18.

Conditions:
Inborn genetic diseases. Identifiers: MedGen C0950123, MeSH D030342.

Allele frequency attached by ClinVar (database versions not stated): TOPMed 0.00007; gnomAD exomes 0.00008; gnomAD 0.00009; ExAC 0.00011; ESP Exome Variant Server 0.00015.
gnomAD v4.1: 103 of 1,613,448 alleles (0.0064%); highest among the groups gnomAD compares: Non-Finnish European, 0.0039%; no homozygotes.

Submissions (3):

Blueprint Genetics
Classification: Uncertain significance. Last evaluated: 2024-09-18. Review status: criteria provided, single submitter. Criteria: ACMG Guidelines, 2015. Collection method: clinical testing. Allele origin: germline.

Ambry Genetics
Classification: Uncertain significance for Inborn genetic diseases. Last evaluated: 2024-08-20. Review status: criteria provided, single submitter. Criteria: Ambry Variant Classification Scheme 2023. Collection method: clinical testing. Allele origin: germline.

Labcorp Genetics (formerly Invitae), Labcorp
Classification: Uncertain significance. Last evaluated: 2022-09-05. Review status: criteria provided, single submitter. Criteria: Invitae Variant Classification Sherloc (09022015). Collection method: clinical testing. Allele origin: germline.
Comment: This sequence change replaces arginine, which is basic and polar, with glycine, which is neutral and non-polar, at codon 583 of the C6 protein (p.Arg583Gly). This variant is present in population databases (rs141061499, gnomAD 0.1%). This variant has not been reported in the literature in individuals affected with C6-related conditions. ClinVar contains an entry for this variant (Variation ID: 1489187). Algorithms developed to predict the effect of missense changes on protein structure and function are either unavailable or do not agree on the potential impact of this missense change (SIFT: "Deleterious"; PolyPhen-2: "Probably Damaging"; Align-GVGD: "Class C0"). In summary, the available evidence is currently insufficient to determine the role of this variant in disease. Therefore, it has been classified as a Variant of Uncertain Significance.